The following is an entry in ClinVar:

NM_024675.4(PALB2):c.845G>A (p.Arg282Lys)

Gene: PALB2 (partner and localizer of BRCA2; minus strand). Cytogenetic location: 16p12.2.
Variant type: single nucleotide variant.
Coding change: c.845G>A on transcript NM_024675.4 (MANE Select); coding-DNA position 845, G replaced by A.
Protein change: p.Arg282Lys; replaces arginine 282 with lysine.
Molecular consequence: missense variant.
Genome position (GRCh38, 1-based): chr16:23,635,701, C>T on the plus strand (G>A on the coding strand, the complement: PALB2 is on the minus strand). VCF-style: chr16-23635701-C-T. GRCh37 (hg19) VCF-style: chr16-23647022-C-T.
Other names: short protein forms R282K.
Identifiers: ClinVar variation 530198 (VCV000530198.12), dbSNP rs1555461590, ClinGen allele CA395135887.
Genomic context (GRCh38, chr16:23,635,701, plus strand): 5'-TTATCTGTAGAGACAGTCATTTTTTTGCCTTGTGCCTCCAAACTTACAGGTGAAGTAAAT[C>T]TAATGTTTTTTAGGTCGTGAGTAGTAAGTTCACTGCTACCTTTAGGAGGAATGTGTTCAA-3'
Protein context (NP_078951.2, residues 272-292): ELTTHDLKNI[Arg282Lys]FTSPVSLEAQ

ClinVar aggregate classification (germline): Uncertain significance. Review status: criteria provided, multiple submitters, no conflicts (2 of 4 stars). 2 submissions from 2 submitters: Uncertain significance (2). Last evaluated 2022-03-05.

Conditions:
Familial cancer of breast. Also called: BREAST CANCER, FAMILIAL; Hereditary breast cancer; hereditary breast carcinoma. Identifiers: Orphanet 227535, MedGen C0346153, MONDO:0016419, OMIM 114480. Disease mechanism: loss of function.
Hereditary cancer-predisposing syndrome. Also called: Hereditary neoplastic syndrome; Neoplastic Syndromes, Hereditary; Hereditary Cancer Syndrome; Tumor predisposition. Identifiers: Orphanet 140162, MedGen C0027672, MeSH D009386, MONDO:0015356.

Submissions (2):

Labcorp Genetics (formerly Invitae), Labcorp
Classification: Uncertain significance for Familial cancer of breast. Last evaluated: 2022-03-05. Review status: criteria provided, single submitter. Criteria: Invitae Variant Classification Sherloc (09022015). Collection method: clinical testing. Allele origin: germline.
Comment: This sequence change replaces arginine, which is basic and polar, with lysine, which is basic and polar, at codon 282 of the PALB2 protein (p.Arg282Lys). This variant is not present in population databases (gnomAD no frequency). This variant has not been reported in the literature in individuals affected with PALB2-related conditions. ClinVar contains an entry for this variant (Variation ID: 530198). Algorithms developed to predict the effect of missense changes on protein structure and function (SIFT, PolyPhen-2, Align-GVGD) all suggest that this variant is likely to be tolerated. In summary, the available evidence is currently insufficient to determine the role of this variant in disease. Therefore, it has been classified as a Variant of Uncertain Significance.

Ambry Genetics
Classification: Uncertain significance for Hereditary cancer-predisposing syndrome. Last evaluated: 2021-10-09. Review status: criteria provided, single submitter. Criteria: Ambry Variant Classification Scheme 2023. Collection method: clinical testing. Allele origin: germline.
Comment: The p.R282K variant (also known as c.845G>A), located in coding exon 4 of the PALB2 gene, results from a G to A substitution at nucleotide position 845. The arginine at codon 282 is replaced by lysine, an amino acid with highly similar properties. This amino acid position is conserved. In addition, this alteration is predicted to be tolerated by in silico analysis. Since supporting evidence is limited at this time, the clinical significance of this alteration remains unclear.